The following is an entry in ClinVar:

NM_000059.4(BRCA2):c.1569T>C (p.His523=)

Gene: BRCA2 (BRCA2 DNA repair associated; plus strand). Cytogenetic location: 13q13.1.
Variant type: single nucleotide variant.
Coding change: c.1569T>C on transcript NM_000059.4 (MANE Select); coding-DNA position 1569, T replaced by C.
Protein change: p.His523=; no amino-acid change (histidine 523 retained).
Molecular consequence: synonymous variant.
Genome position (GRCh38, 1-based): chr13:32,333,047, T>C. VCF-style: chr13-32333047-T-C. GRCh37 (hg19) VCF-style: chr13-32907184-T-C.
Identifiers: ClinVar variation 185899 (VCV000185899.16), dbSNP rs201750635, ClinGen allele CA012457.
Genomic context (GRCh38, chr13:32,333,047, plus strand): 5'-GTCTATATTCAGAATAAGAGAATCACCTAAAGAGACTTTCAATGCAAGTTTTTCAGGTCA[T>C]ATGACTGATCCAAACTTTAAAAAAGAAACTGAAGCCTCTGAAAGTGGACTGGAAATACAT-3'
Protein context (NP_000050.3, residues 513-533): KETFNASFSG[His523=]MTDPNFKKET

ClinVar aggregate classification (germline): Likely benign. Review status: reviewed by expert panel (3 of 4 stars). 3 submissions from 3 submitters: Likely benign (1). 2 of the submissions do not count toward it. Last evaluated 2017-06-29.

Conditions:
Hereditary cancer-predisposing syndrome. Also called: Hereditary Cancer Syndrome; Neoplastic Syndromes, Hereditary; Tumor predisposition; Hereditary neoplastic syndrome. Identifiers: Orphanet 140162, MedGen C0027672, MeSH D009386, MONDO:0015356.
Hereditary breast ovarian cancer syndrome. Also called: Hereditary breast and ovarian cancer; Hereditary breast and ovarian cancer syndrome; Breast and ovarian cancer; Hereditary breast and ovarian cancer syndrome (HBOC); Hereditary breast and/or ovarian cancer syndrome; BRCA1- and BRCA2-Associated Hereditary Breast and Ovarian Cancer. Identifiers: Orphanet 145, MedGen C0677776, MeSH D061325, MONDO:0003582. Disease mechanism: loss of function.
Breast-ovarian cancer, familial, susceptibility to, 2 (BROVCA2). Also called: BRCA2 Hereditary Breast and Ovarian Cancer. Identifiers: Orphanet 145, MedGen C2675520, MONDO:0012933, OMIM 612555. Disease mechanism: loss of function.

Allele frequency attached by ClinVar (database versions not stated): gnomAD exomes below 0.00001; ExAC 0.00001.
gnomAD v4.1: 1 of 1,608,376 alleles (0.000062%); highest among the groups gnomAD compares: Non-Finnish European, 0.000085%; no homozygotes.

Submissions (3):

Evidence-based Network for the Interpretation of Germline Mutant Alleles (ENIGMA)
Classification: Likely benign for Breast-ovarian cancer, familial, susceptibility to, 2. Last evaluated: 2017-06-29. Review status: reviewed by expert panel. Criteria: ENIGMA BRCA1/2 Classification Criteria (2017-06-29). Collection method: curation. Allele origin: germline.
Comment: Synonymous substitution variant, with low bioinformatic likelihood to result in a splicing aberration (Splicing prior probability 0.02).

Labcorp Genetics (formerly Invitae), Labcorp
Classification: Likely benign for Hereditary breast ovarian cancer syndrome. Last evaluated: 2024-10-22. Review status: criteria provided, single submitter. Criteria: Invitae Variant Classification Sherloc (09022015). Collection method: clinical testing. Allele origin: germline. Not counted in ClinVar's aggregate classification.

Ambry Genetics
Classification: Likely benign for Hereditary cancer-predisposing syndrome. Last evaluated: 2014-08-01. Review status: criteria provided, single submitter. Criteria: Ambry Variant Classification Scheme 2023. Collection method: clinical testing. Allele origin: germline. Not counted in ClinVar's aggregate classification.